The following is an entry in ClinVar:

NM_004415.4(DSP):c.8235A>G (p.Ile2745Met)

Gene: DSP (desmoplakin; plus strand). Cytogenetic location: 6p24.3.
Variant type: single nucleotide variant.
Coding change: c.8235A>G on transcript NM_004415.4 (MANE Select); coding-DNA position 8235, A replaced by G.
Protein change: p.Ile2745Met; replaces isoleucine 2745 with methionine.
Molecular consequence: missense variant.
Genome position (GRCh38, 1-based): chr6:7,585,497, A>G. VCF-style: chr6-7585497-A-G. GRCh37 (hg19) VCF-style: chr6-7585730-A-G.
Other names: c.6438A>G, p.Ile2146Met (NM_001008844.3); c.6906A>G, p.Ile2302Met (NM_001319034.2); short protein forms I2146M, I2302M, I2745M.
Identifiers: ClinVar variation 945841 (VCV000945841.11), dbSNP rs768893360, ClinGen allele CA051907.
Genomic context (GRCh38, chr6:7,585,497, plus strand): 5'-CTTCCTGGAGTTCCAGTACCTCACGGGAGGTCTTGTTGACCCGGAAGTGCATGGGAGGAT[A>G]AGCACCGAAGAAGCCATCCGGAAGGGGTTCATAGATGGCCGCGCCGCACAGAGGCTGCAA-3'
Protein context (NP_004406.2, residues 2735-2755): GLVDPEVHGR[Ile2745Met]STEEAIRKGF

ClinVar aggregate classification (germline): Conflicting classifications of pathogenicity. Review status: criteria provided, conflicting classifications (1 of 4 stars). 2 submissions from 2 submitters: Uncertain significance (1); Likely benign (1). Last evaluated 2025-05-25.

Conditions:
Cardiomyopathy (CMYO). Also called: Cardiomyopathies. Identifiers: Orphanet 167848, MedGen C0878544, MONDO:0004994, HP:0001638. Inheritance: Various modes of inheritance.
Arrhythmogenic right ventricular dysplasia 8 (ARVD8). Also called: Arrhythmogenic Right Ventricular Dysplasia/Cardiomyopathy 8; ARRHYTHMOGENIC RIGHT VENTRICULAR DYSPLASIA, FAMILIAL, 8; ARRHYTHMOGENIC RIGHT VENTRICULAR CARDIOMYOPATHY 8. Identifiers: MedGen C1843896, MONDO:0011831, OMIM 607450.
Arrhythmogenic cardiomyopathy with wooly hair and keratoderma. Also called: Arrhythmogenic cardiomyopathy with woolly hair and keratoderma; PALMOPLANTAR KERATODERMA WITH LEFT VENTRICULAR CARDIOMYOPATHY AND WOOLLY HAIR; Dilated cardiomyopathy with woolly hair and keratoderma; Carvajal syndrome. Identifiers: Orphanet 65282, MedGen C1854063, MONDO:0011581, OMIM 605676.

Allele frequency attached by ClinVar (database versions not stated): ExAC 0.00001; gnomAD exomes 0.00001.
gnomAD v4.1: 4 of 1,614,158 alleles (0.00025%); highest among the groups gnomAD compares: Admixed American, 0.0017%; no homozygotes.

Submissions (2):

Color Diagnostics, LLC DBA Color Health
Classification: Uncertain significance for Cardiomyopathy. Last evaluated: 2025-05-25. Review status: criteria provided, single submitter. Criteria: ACMG Guidelines, 2015. Collection method: clinical testing. Allele origin: germline.
Comment: This missense variant replaces isoleucine with methionine at codon 2745 of the DSP protein. Computational prediction suggests that this variant may not impact protein structure and function. To our knowledge, functional studies have not been reported for this variant. This variant has not been reported in individuals affected with DSP-related disorders in the literature. This variant has been identified in 2/251400 chromosomes in the general population by the Genome Aggregation Database (gnomAD). The available evidence is insufficient to determine the role of this variant in disease conclusively. Therefore, this variant is classified as a Variant of Uncertain Significance.

Labcorp Genetics (formerly Invitae), Labcorp
Classification: Likely benign for Arrhythmogenic cardiomyopathy with wooly hair and keratoderma; Arrhythmogenic right ventricular dysplasia 8. Last evaluated: 2024-03-22. Review status: criteria provided, single submitter. Criteria: Invitae Variant Classification Sherloc (09022015). Collection method: clinical testing. Allele origin: germline.